The following is an entry in ClinVar:

ClinVar aggregate classification (germline): Pathogenic. Review status: criteria provided, multiple submitters, no conflicts (2 of 4 stars). 3 submissions from 3 submitters: Pathogenic (3). Last evaluated 2024-05-08.

Conditions:
Primary ciliary dyskinesia. Also called: Ciliary dyskinesia. Identifiers: Orphanet 244, MedGen C0008780, MONDO:0016575, HP:0012265.
Primary ciliary dyskinesia 3. Identifiers: Orphanet 244, MedGen C1837618, MONDO:0012085, OMIM 608644.

gnomAD v4.1: 7 of 1,614,138 alleles (0.00043%); highest among the groups gnomAD compares: Admixed American, 0.0017%; no homozygotes.

Submissions (3):

Myriad Genetics, Inc.
Classification: Pathogenic for Primary ciliary dyskinesia 3. Last evaluated: 2024-05-08. Review status: criteria provided, single submitter. Criteria: Myriad Autosomal Dominant, Autosomal Recessive and X-Linked Classification Criteria (2023). Collection method: clinical testing. Allele origin: unknown.
Comment: NM_001369.2(DNAH5):c.10348G>T(E3450*) is expected to be pathogenic in the context of primary ciliary dyskinesia, DNAH5-related. This variant is predicted to lead to an abnormal or absent protein product due to the creation of a premature termination codon in DNAH5, a gene where loss-of-function variants are known to be pathogenic. Please note: this variant was assessed in the context of healthy population screening.

Labcorp Genetics (formerly Invitae), Labcorp
Classification: Pathogenic for Primary ciliary dyskinesia. Last evaluated: 2020-12-10. Review status: criteria provided, single submitter. Criteria: Invitae Variant Classification Sherloc (09022015). Collection method: clinical testing. Allele origin: germline.
Comment: This sequence change creates a premature translational stop signal (p.Glu3450*) in the DNAH5 gene. It is expected to result in an absent or disrupted protein product. Loss-of-function variants in DNAH5 are known to be pathogenic (PMID: 11788826, 16627867). For these reasons, this variant has been classified as Pathogenic. This variant has not been reported in the literature in individuals with DNAH5-related conditions. This variant is not present in population databases (ExAC no frequency).

Ambry Genetics
Classification: Pathogenic for Primary ciliary dyskinesia. Last evaluated: 2020-09-23. Review status: criteria provided, single submitter. Criteria: Ambry Variant Classification Scheme 2023. Collection method: clinical testing. Allele origin: germline.
Comment: The p.E3450* pathogenic mutation (also known as c.10348G>T), located in coding exon 61 of the DNAH5 gene, results from a G to T substitution at nucleotide position 10348. This changes the amino acid from a glutamic acid to a stop codon within coding exon 61. This alteration is expected to result in loss of function by premature protein truncation or nonsense-mediated mRNA decay. As such, this alteration is interpreted as a disease-causing mutation.

Literature cited by the submitters: PubMed 11788826 (cited by Labcorp Genetics (formerly Invitae), Labcorp); PubMed 16627867 (cited by Labcorp Genetics (formerly Invitae), Labcorp).

NM_001369.3(DNAH5):c.10348G>T (p.Glu3450Ter)

Gene: DNAH5 (dynein axonemal heavy chain 5; minus strand). Cytogenetic location: 5p15.2.
Variant type: single nucleotide variant.
Coding change: c.10348G>T on transcript NM_001369.3 (MANE Select); coding-DNA position 10348, G replaced by T.
Protein change: p.Glu3450Ter; replaces glutamic acid 3450 with a stop codon.
Molecular consequence: nonsense.
Genome position (GRCh38, 1-based): chr5:13,758,917, C>A on the plus strand (G>T on the coding strand, the complement: DNAH5 is on the minus strand). VCF-style: chr5-13758917-C-A. GRCh37 (hg19) VCF-style: chr5-13759026-C-A.
Other names: short protein forms E3450*.
Identifiers: ClinVar variation 1458102 (VCV001458102.9), dbSNP rs758739748, ClinGen allele CA359195641.
Genomic context (GRCh38, chr5:13,758,917, plus strand): 5'-TCATGGCCTGTTCATACTCAGCCTGCACCACGTCAAGTTCCGCCTGCTTGTCATCCAACT[C>A]GGCCTGGGCTTTCTGCAGATCCTGCATGGCCAGGAGATGGCGATTCTCTTGCACCACCAA-3'